The following is an entry in ClinVar:

NM_005236.3(ERCC4):c.2511C>T (p.Thr837=)

Gene: ERCC4 (ERCC excision repair 4, endonuclease catalytic subunit; plus strand). Cytogenetic location: 16p13.12.
Variant type: single nucleotide variant.
Coding change: c.2511C>T on transcript NM_005236.3 (MANE Select); coding-DNA position 2511, C replaced by T.
Protein change: p.Thr837=; no amino-acid change (threonine 837 retained).
Molecular consequence: synonymous variant.
Genome position (GRCh38, 1-based): chr16:13,948,107, C>T. VCF-style: chr16-13948107-C-T. GRCh37 (hg19) VCF-style: chr16-14041964-C-T.
Identifiers: ClinVar variation 4084537 (VCV004084537.8).

ClinVar aggregate classification (germline): Likely benign (1 of 4 stars; one submission).

Submission:

CeGaT Center for Human Genetics Tuebingen
Classification: Likely benign. Last evaluated: 2025-07-01. Review status: criteria provided, single submitter. Criteria: CeGaT Center For Human Genetics Tuebingen Variant Classification Criteria Version 2. Collection method: clinical testing. Allele origin: germline. Affected: yes. Observed: 1 variant allele.
Comment: ERCC4: PM2:Supporting, BP4, BP7